The following is an entry in ClinVar:

NM_014467.3(SRPX2):c.1373G>A (p.Arg458Gln)

Gene: SRPX2 (sushi repeat containing protein X-linked 2; plus strand). Cytogenetic location: Xq22.1.
Variant type: single nucleotide variant.
Coding change: c.1373G>A on transcript NM_014467.3 (MANE Select); coding-DNA position 1373, G replaced by A.
Protein change: p.Arg458Gln; replaces arginine 458 with glutamine.
Molecular consequence: missense variant.
Genome position (GRCh38, 1-based): chrX:100,670,962, G>A. VCF-style: chrX-100670962-G-A. GRCh37 (hg19) VCF-style: chrX-99925959-G-A.
Other names: p.R458Q:CGG>CAG; short protein forms R458Q.
Identifiers: ClinVar variation 130374 (VCV000130374.25), dbSNP rs146051561, ClinGen allele CA231530.

ClinVar aggregate classification (germline): Benign/Likely benign. Review status: criteria provided, multiple submitters, no conflicts (2 of 4 stars). 6 submissions from 6 submitters: Benign (2); Likely benign (3). 1 of the submissions does not count toward it. Last evaluated 2022-09-01.

Conditions:
SRPX2-related disorder. Also called: SRPX2-related condition.
Rolandic epilepsy, impaired intellectual development, and speech dyspraxia, X-linked. Also called: Rolandic epilepsy, intellectual disability, and speech dyspraxia, X-linked; Rolandic epilepsy, impaired intellectual development, and speech dyspraxia. Identifiers: MedGen C1845070, MONDO:0010388, OMIM 300643.

Allele frequency attached by ClinVar (database versions not stated): TOPMed 0.00134; ESP Exome Variant Server 0.00180; gnomAD exomes 0.00014 and 0.00034; ExAC 0.00054; 1000 Genomes Project 30x 0.00062; 1000 Genomes Project 0.00079; gnomAD 0.00120 and 0.00133.

Submissions (6):

Labcorp Genetics (formerly Invitae), Labcorp
Classification: Likely benign for Rolandic epilepsy, impaired intellectual development, and speech dyspraxia, X-linked. Last evaluated: 2022-09-01. Review status: criteria provided, single submitter. Criteria: Invitae Variant Classification Sherloc (09022015). Collection method: clinical testing. Allele origin: germline.

GeneDx
Classification: Benign. Last evaluated: 2019-11-05. Review status: criteria provided, single submitter. Criteria: GeneDx Variant Classification Process June 2021. Collection method: clinical testing. Allele origin: germline. Affected: yes.

Genetic Services Laboratory, University of Chicago
Classification: Benign. Last evaluated: 2018-01-08. Review status: criteria provided, single submitter. Criteria: ACMG Guidelines, 2015. Collection method: clinical testing. Allele origin: germline. Affected: no.

Eurofins Ntd Llc (ga)
Classification: Likely benign. Last evaluated: 2017-09-21. Review status: criteria provided, single submitter. Criteria: EGL Classification Definitions 2015. Collection method: clinical testing. Allele origin: germline. Observed: 1 variant allele, 1 hemizygote.

Breakthrough Genomics
Classification: Likely benign. Review status: criteria provided, single submitter. Criteria: ACMG Guidelines, 2015. Collection method: not provided. Allele origin: germline. Inheritance: Unknown mechanism. Affected: yes.

PreventionGenetics, part of Exact Sciences
Classification: Likely benign for SRPX2-related condition. Last evaluated: 2023-06-07. Review status: no assertion criteria provided. Collection method: clinical testing. Allele origin: germline. Not counted in ClinVar's aggregate classification.
Comment: This variant is classified as likely benign based on ACMG/AMP sequence variant interpretation guidelines (Richards et al. 2015 PMID: 25741868, with internal and published modifications).